The following is an entry in ClinVar:

ClinVar aggregate classification (germline): Uncertain significance (1 of 4 stars; one submission).

Allele frequency attached by ClinVar (database versions not stated): ExAC 0.00001; gnomAD 0.00001; TOPMed 0.00002; ESP Exome Variant Server 0.00009.
gnomAD v4.1: 6 of 1,209,401 alleles (0.0005%); highest among the groups gnomAD compares: Non-Finnish European, 0.00067%; no homozygotes.

Submission:

Labcorp Genetics (formerly Invitae), Labcorp
Classification: Uncertain significance. Last evaluated: 2022-09-03. Review status: criteria provided, single submitter. Criteria: Invitae Variant Classification Sherloc (09022015). Collection method: clinical testing. Allele origin: germline.
Comment: In summary, the available evidence is currently insufficient to determine the role of this variant in disease. Therefore, it has been classified as a Variant of Uncertain Significance. Algorithms developed to predict the effect of missense changes on protein structure and function (SIFT, PolyPhen-2, Align-GVGD) all suggest that this variant is likely to be disruptive. This variant has not been reported in the literature in individuals affected with DRP2-related conditions. This variant is present in population databases (rs371570852, gnomAD 0.003%). This sequence change replaces arginine, which is basic and polar, with cysteine, which is neutral and slightly polar, at codon 487 of the DRP2 protein (p.Arg487Cys).

NM_001939.3(DRP2):c.1459C>T (p.Arg487Cys)

Gene: DRP2 (dystrophin related protein 2; plus strand). Cytogenetic location: Xq22.1.
Variant type: single nucleotide variant.
Coding change: c.1459C>T on transcript NM_001939.3 (MANE Select); coding-DNA position 1459, C replaced by T.
Protein change: p.Arg487Cys; replaces arginine 487 with cysteine.
Molecular consequence: missense variant.
Genome position (GRCh38, 1-based): chrX:101,248,518, C>T. VCF-style: chrX-101248518-C-T. GRCh37 (hg19) VCF-style: chrX-100503507-C-T.
Other names: c.1225C>T, p.Arg409Cys (NM_001171184.2); short protein forms R409C, R487C.
Identifiers: ClinVar variation 1911516 (VCV001911516.5), dbSNP rs371570852, ClinGen allele CA10472277.